The following is an entry in ClinVar:

NM_000038.6(APC):c.5756A>G (p.Asn1919Ser)

Gene: APC (APC regulator of Wnt signaling pathway; plus strand). Cytogenetic location: 5q22.2.
Variant type: single nucleotide variant.
Coding change: c.5756A>G on transcript NM_000038.6 (MANE Select); coding-DNA position 5756, A replaced by G.
Protein change: p.Asn1919Ser; replaces asparagine 1919 with serine.
Molecular consequence: missense variant.
Genome position (GRCh38, 1-based): chr5:112,841,350, A>G. VCF-style: chr5-112841350-A-G. GRCh37 (hg19) VCF-style: chr5-112177047-A-G.
Other names: c.5756A>G, p.Asn1919Ser (NM_001127510.3, NM_001354895.2); c.5702A>G, p.Asn1901Ser (NM_001127511.3); c.5810A>G, p.Asn1937Ser (NM_001354896.2); c.5786A>G, p.Asn1929Ser (NM_001354897.2); c.5681A>G, p.Asn1894Ser (NM_001354898.2); c.5672A>G, p.Asn1891Ser (NM_001354899.2); c.5633A>G, p.Asn1878Ser (NM_001354900.2); c.5579A>G, p.Asn1860Ser (NM_001354901.2); and 5 more; short protein forms N1919S, N1901S, N1759S, N1878S, N1891S, N1937S, N1636S, N1860S.
Identifiers: ClinVar variation 411394 (VCV000411394.27), dbSNP rs147740612, ClinGen allele CA042886.

ClinVar aggregate classification (germline): Conflicting classifications of pathogenicity. Review status: criteria provided, conflicting classifications (1 of 4 stars). 7 submissions from 7 submitters: Uncertain significance (6); Likely benign (1). Last evaluated 2026-01-27.

Conditions:
Hereditary cancer-predisposing syndrome. Also called: Neoplastic Syndromes, Hereditary; Hereditary Cancer Syndrome; Hereditary neoplastic syndrome; Tumor predisposition. Identifiers: Orphanet 140162, MedGen C0027672, MeSH D009386, MONDO:0015356.
Familial adenomatous polyposis 1 (FAP1). Also called: FAMILIAL ADENOMATOUS POLYPOSIS 1, ATTENUATED; POLYPOSIS, ADENOMATOUS INTESTINAL. Identifiers: MedGen C2713442, MONDO:0021056, OMIM 175100. Disease mechanism: loss of function.
Gastric adenocarcinoma and proximal polyposis of the stomach (GAPPS). Also called: POLYPOSIS, GASTRIC; Gastric Adenocarcinoma and Proximal Polyposis of the Stomach (GAPPS); Polyposis, gastric, Dos Santos and de Magalhaes 1980. Identifiers: Orphanet 314022, MedGen C4749917, MONDO:0017790, OMIM 619182.
Desmoid disease, hereditary (DESMD). Also called: FIBROMATOSIS, FAMILIAL INFILTRATIVE. Identifiers: Orphanet 873, MedGen C1851124, OMIM 135290. Disease mechanism: loss of function.
Hepatocellular carcinoma (HCC). Also called: Primary carcinoma of liver; HEPATOMA; LIVER CELL CARCINOMA. Identifiers: Orphanet 88673, MedGen C2239176, MONDO:0007256, OMIM 114550, HP:0001402.
Gastric cancer. Also called: Malignant tumor of stomach; Stomach cancer. Identifiers: MedGen C0024623, MeSH D013274, MONDO:0001056, OMIM 613659, HP:0012126.
Colorectal cancer. Also called: Malignant Colorectal Neoplasm; Colorectal cancer, somatic. Identifiers: MedGen C0346629, MONDO:0005575, OMIM 114500.
Classic or attenuated familial adenomatous polyposis. Identifiers: MedGen CN372698, MONDO:0021057.
Familial multiple polyposis syndrome (FAP). Also called: Familial intestinal polyposis; Familial polyposis; Familial Adenomatous Polyposis (FAP); Familial adenomatous polyposis; Classic familial adenomatous polyposis. Identifiers: Orphanet 733, MedGen C0032580, MONDO:0021055. Disease mechanism: loss of function.

Allele frequency attached by ClinVar (database versions not stated): gnomAD exomes below 0.00001 and 0.00001; ExAC 0.00001; TOPMed 0.00001; gnomAD 0.00003 and 0.00004; ESP Exome Variant Server 0.00008.
gnomAD v4.1: 7 of 1,613,792 alleles (0.00043%); highest among the groups gnomAD compares: Non-Finnish European, 0.00059%; no homozygotes.

Submissions (7):

Labcorp Genetics (formerly Invitae), Labcorp
Classification: Uncertain significance for Familial adenomatous polyposis 1. Last evaluated: 2026-01-27. Review status: criteria provided, single submitter. Criteria: Invitae Variant Classification Sherloc (09022015). Collection method: clinical testing. Allele origin: germline.
Comment: This sequence change replaces asparagine, which is neutral and polar, with serine, which is neutral and polar, at codon 1919 of the APC protein (p.Asn1919Ser). This variant is present in population databases (rs147740612, gnomAD 0.002%). This variant has not been reported in the literature in individuals affected with APC-related conditions. ClinVar contains an entry for this variant (Variation ID: 411394). Invitae Evidence Modeling of protein sequence and biophysical properties (such as structural, functional, and spatial information, amino acid conservation, physicochemical variation, residue mobility, and thermodynamic stability) indicates that this missense variant is not expected to disrupt APC protein function with a negative predictive value of 95%. In summary, the available evidence is currently insufficient to determine the role of this variant in disease. Therefore, it has been classified as a Variant of Uncertain Significance.

Ambry Genetics
Classification: Likely benign for Hereditary cancer-predisposing syndrome. Last evaluated: 2025-03-11. Review status: criteria provided, single submitter. Criteria: Ambry Variant Classification Scheme 2023. Collection method: clinical testing. Allele origin: germline.

Fulgent Genetics
Classification: Uncertain significance for Colorectal cancer; Hepatocellular carcinoma; Desmoid disease, hereditary; Familial adenomatous polyposis 1; Gastric cancer; Gastric adenocarcinoma and proximal polyposis of the stomach. Last evaluated: 2024-03-24. Review status: criteria provided, single submitter. Criteria: ACMG Guidelines, 2015. Collection method: clinical testing. Allele origin: germline.

Color Diagnostics, LLC DBA Color Health
Classification: Uncertain significance for Hereditary cancer-predisposing syndrome. Last evaluated: 2024-03-06. Review status: criteria provided, single submitter. Criteria: ACMG Guidelines, 2015. Collection method: clinical testing. Allele origin: germline.
Comment: This missense variant replaces asparagine with serine at codon 1919 of the APC protein. Computational prediction suggests that this variant may not impact protein structure and function (internally defined REVEL score threshold <= 0.5, PMID: 27666373). To our knowledge, functional studies have not been reported for this variant. This variant has not been reported in individuals affected with APC-related disorders in the literature. This variant has been identified in 3/281496 chromosomes in the general population by the Genome Aggregation Database (gnomAD). The available evidence is insufficient to determine the role of this variant in disease conclusively. Therefore, this variant is classified as a Variant of Uncertain Significance.

All of Us Research Program, National Institutes of Health
Classification: Uncertain significance for Classic or attenuated familial adenomatous polyposis. Last evaluated: 2024-01-11. Review status: criteria provided, single submitter. Criteria: ACMG Guidelines, 2015. Collection method: clinical testing. Allele origin: germline. Inheritance: Autosomal dominant inheritance. Observed: 3 variant alleles, 3 heterozygotes.
Comment: This missense variant replaces asparagine with serine at codon 1919 of the APC protein. Computational prediction suggests that this variant may not impact protein structure and function (internally defined REVEL score threshold <= 0.5, PMID: 27666373). Splice site prediction tools suggest that this variant may not impact RNA splicing. To our knowledge, functional studies have not been performed for this variant. This variant has not been reported in individuals affected with hereditary cancer in the literature. This variant has been identified in 3/281496 chromosomes in the general population by the Genome Aggregation Database (gnomAD). The available evidence is insufficient to determine the role of this variant in disease conclusively. Therefore, this variant is classified as a Variant of Uncertain Significance.

This study involves interpretation of variants in research participants for the purpose of population health screening. Participant phenotype was not available at the time of variant classification. Additional details can be found in publication PMID: 35346344, PMCID: PMC8962531

Quest Diagnostics Nichols Institute San Juan Capistrano
Classification: Uncertain significance. Last evaluated: 2020-05-25. Review status: criteria provided, single submitter. Criteria: Quest Diagnostics criteria. Collection method: clinical testing. Allele origin: unknown.

CSER _CC_NCGL, University of Washington
Classification: Uncertain significance for Familial adenomatous polyposis. Last evaluated: 2016-10-01. Review status: criteria provided, single submitter. Criteria: Amendola et al. (Genome Res. 2015). Collection method: research. Allele origin: germline. Affected: yes. Study: CSER - NEXT Medicine variant annotation.
Comment: This interpretation considers GERP score and allele frequency data, in addition to published reports of the variant in the literature, available at the time of review.